The following is an entry in ClinVar:

NM_002110.5(HCK):c.1365G>A (p.Arg455=)

Gene: HCK (HCK proto-oncogene, Src family tyrosine kinase; plus strand). Cytogenetic location: 20q11.21.
Variant type: single nucleotide variant.
Coding change: c.1365G>A on transcript NM_002110.5 (MANE Select); coding-DNA position 1365, G replaced by A.
Protein change: p.Arg455=; no amino-acid change (arginine 455 retained).
Molecular consequence: synonymous variant.
Genome position (GRCh38, 1-based): chr20:32,099,122, G>A. VCF-style: chr20-32099122-G-A. GRCh37 (hg19) VCF-style: chr20-30686925-G-A.
Other names: c.1302G>A, p.Arg434= (NM_001172129.3, NM_001172133.3); c.1362G>A, p.Arg454= (NM_001172130.3); c.1299G>A, p.Arg433= (NM_001172131.3); c.1305G>A, p.Arg435= (NM_001172132.3).
Identifiers: ClinVar variation 5039101 (VCV005039101.1).

ClinVar aggregate classification (germline): Likely benign (1 of 4 stars; one submission).

Submission:

CeGaT Center for Human Genetics Tuebingen
Classification: Likely benign. Last evaluated: 2026-08-01. Review status: criteria provided, single submitter. Criteria: CeGaT Center For Human Genetics Tuebingen Variant Classification Criteria Version 2. Collection method: clinical testing. Allele origin: germline. Affected: yes. Observed: 1 variant allele.
Comment: HCK: PM2:Supporting, BP4, BP7